The following is an entry in ClinVar:

NM_025114.4(CEP290):c.2131A>G (p.Arg711Gly)

Gene: CEP290 (centrosomal protein 290; minus strand). Cytogenetic location: 12q21.32.
Variant type: single nucleotide variant.
Coding change: c.2131A>G on transcript NM_025114.4 (MANE Select); coding-DNA position 2131, A replaced by G.
Protein change: p.Arg711Gly; replaces arginine 711 with glycine.
Molecular consequence: missense variant.
Genome position (GRCh38, 1-based): chr12:88,111,780, T>C on the plus strand (A>G on the coding strand, the complement: CEP290 is on the minus strand). VCF-style: chr12-88111780-T-C. GRCh37 (hg19) VCF-style: chr12-88505557-T-C.
Other names: short protein forms R711G.
Identifiers: ClinVar variation 1520455 (VCV001520455.6), dbSNP rs758037479, ClinGen allele CA6712395.
Genomic context (GRCh38, chr12:88,111,780, plus strand): 5'-GTGAATAATTTATAGCCTCTTTCCGAGATTCCCTGAGCTCCTGTCTTAATTCTTCATTTC[T>C]TCCGGTAAGCTGATCAACTTGGGCTTTCAAATGCAGACTCGCATCAAAGATTCCTTCTGC-3'
Protein context (NP_079390.3, residues 701-721): LKAQVDQLTG[Arg711Gly]NEELRQELRE

ClinVar aggregate classification (germline): Uncertain significance. Review status: criteria provided, multiple submitters, no conflicts (2 of 4 stars). 2 submissions from 2 submitters: Uncertain significance (2). Last evaluated 2024-05-21.

Conditions:
Joubert syndrome. Also called: Familial aplasia of the vermis; JOUBERT-BOLTSHAUSER SYNDROME. Identifiers: Orphanet 475, MedGen C5979921, MONDO:0018772.
Meckel-Gruber syndrome. Also called: DYSENCEPHALIA SPLANCHNOCYSTICA; Dysencephalia splachnocystica; GRUBER SYNDROME. Identifiers: Orphanet 564, MedGen C0265215, MONDO:0018921.
Nephronophthisis. Also called: Juvenile Nephronophthisis. Identifiers: Orphanet 655, MedGen C0687120, MONDO:0019005, HP:0000090.

Allele frequency attached by ClinVar (database versions not stated): TOPMed below 0.00001; ExAC 0.00001; gnomAD 0.00001; gnomAD exomes 0.00001.
gnomAD v4.1: 4 of 1,607,528 alleles (0.00025%); highest among the groups gnomAD compares: Admixed American, 0.0034%; no homozygotes.

Submissions (2):

Blueprint Genetics
Classification: Uncertain significance. Last evaluated: 2024-05-21. Review status: criteria provided, single submitter. Criteria: ACMG Guidelines, 2015. Collection method: clinical testing. Allele origin: germline.

Labcorp Genetics (formerly Invitae), Labcorp
Classification: Uncertain significance for Joubert syndrome; Meckel-Gruber syndrome; Nephronophthisis. Last evaluated: 2022-10-25. Review status: criteria provided, single submitter. Criteria: Invitae Variant Classification Sherloc (09022015). Collection method: clinical testing. Allele origin: germline.
Comment: This sequence change replaces arginine, which is basic and polar, with glycine, which is neutral and non-polar, at codon 711 of the CEP290 protein (p.Arg711Gly). This variant is present in population databases (rs758037479, gnomAD 0.003%). This variant has not been reported in the literature in individuals affected with CEP290-related conditions. ClinVar contains an entry for this variant (Variation ID: 1520455). Advanced modeling of protein sequence and biophysical properties (such as structural, functional, and spatial information, amino acid conservation, physicochemical variation, residue mobility, and thermodynamic stability) performed at Invitae indicates that this missense variant is expected to disrupt CEP290 protein function. In summary, the available evidence is currently insufficient to determine the role of this variant in disease. Therefore, it has been classified as a Variant of Uncertain Significance.